The following is an entry in ClinVar:

ClinVar aggregate classification (germline): Likely benign (1 of 4 stars; one submission).

Submission:

CeGaT Center for Human Genetics Tuebingen
Classification: Likely benign. Last evaluated: 2026-03-01. Review status: criteria provided, single submitter. Criteria: CeGaT Center For Human Genetics Tuebingen Variant Classification Criteria Version 2. Collection method: clinical testing. Allele origin: germline. Affected: yes. Observed: 2 variant alleles.
Comment: ZNF519: BP4, BP7

NM_145287.4(ZNF519):c.1353A>G (p.Gln451=)

Gene: ZNF519 (zinc finger protein 519; minus strand). Cytogenetic location: 18p11.21.
Variant type: single nucleotide variant.
Coding change: c.1353A>G on transcript NM_145287.4 (MANE Select); coding-DNA position 1353, A replaced by G.
Protein change: p.Gln451=; no amino-acid change (glutamine 451 retained).
Molecular consequence: synonymous variant.
Genome position (GRCh38, 1-based): chr18:14,105,187, T>C on the plus strand (A>G on the coding strand, the complement: ZNF519 is on the minus strand). VCF-style: chr18-14105187-T-C. GRCh37 (hg19) VCF-style: chr18-14105186-T-C.
Identifiers: ClinVar variation 4280753 (VCV004280753.7).